The following is an entry in ClinVar:

ClinVar aggregate classification (germline): Uncertain significance (0 of 4 stars; one submission).

Conditions:
DLL4-related disorder. Also called: DLL4-related condition.

gnomAD v4.1: 2 of 1,613,188 alleles (0.00012%); highest among the groups gnomAD compares: African/African-American, 0.0027%; no homozygotes.

Submission:

PreventionGenetics, part of Exact Sciences
Classification: Uncertain significance for DLL4-related condition. Last evaluated: 2024-09-23. Review status: no assertion criteria provided. Collection method: clinical testing. Allele origin: germline.
Comment: The DLL4 c.1862C>T variant is predicted to result in the amino acid substitution p.Pro621Leu. To our knowledge, this variant has not been reported in the literature or in a large population database, indicating this variant is rare. At this time, the clinical significance of this variant is uncertain due to the absence of conclusive functional and genetic evidence.

NM_019074.4(DLL4):c.1862C>T (p.Pro621Leu)

Gene: DLL4 (delta like canonical Notch ligand 4; plus strand). Cytogenetic location: 15q15.1.
Variant type: single nucleotide variant.
Coding change: c.1862C>T on transcript NM_019074.4 (MANE Select); coding-DNA position 1862, C replaced by T.
Protein change: p.Pro621Leu; replaces proline 621 with leucine.
Molecular consequence: missense variant.
Genome position (GRCh38, 1-based): chr15:40,936,849, C>T. VCF-style: chr15-40936849-C-T. GRCh37 (hg19) VCF-style: chr15-41229047-C-T.
Other names: short protein forms P621L.
Identifiers: ClinVar variation 3347413 (VCV003347413.1).